The following is an entry in ClinVar:

ClinVar aggregate classification (germline): Uncertain significance (1 of 4 stars; one submission).

gnomAD v4.1: 18 of 1,612,082 alleles (0.0011%); highest among the groups gnomAD compares: Admixed American, 0.01%; no homozygotes.

Submission:

Labcorp Genetics (formerly Invitae), Labcorp
Classification: Uncertain significance. Last evaluated: 2024-11-11. Review status: criteria provided, single submitter. Criteria: Invitae Variant Classification Sherloc (09022015). Collection method: clinical testing. Allele origin: germline.
Comment: This sequence change creates a premature translational stop signal (p.Arg19*) in the POC5 gene. It is expected to result in an absent or disrupted protein product. However, the current clinical and genetic evidence is not sufficient to establish whether loss-of-function variants in POC5 cause disease. This variant is present in population databases (rs558520185, gnomAD 0.01%). This variant has not been reported in the literature in individuals affected with POC5-related conditions. In summary, the available evidence is currently insufficient to determine the role of this variant in disease. Therefore, it has been classified as a Variant of Uncertain Significance.

NM_001099271.2(POC5):c.55C>T (p.Arg19Ter)

Gene: POC5 (POC5 centriolar protein; minus strand). Cytogenetic location: 5q13.3.
Variant type: single nucleotide variant.
Coding change: c.55C>T on transcript NM_001099271.2 (MANE Select); coding-DNA position 55, C replaced by T.
Protein change: p.Arg19Ter; replaces arginine 19 with a stop codon.
Molecular consequence: nonsense.
Genome position (GRCh38, 1-based): chr5:75,712,883, G>A on the plus strand (C>T on the coding strand, the complement: POC5 is on the minus strand). VCF-style: chr5-75712883-G-A. GRCh37 (hg19) VCF-style: chr5-75008708-G-A.
Other names: short protein forms R19*.
Identifiers: ClinVar variation 3660683 (VCV003660683.2).